The following is an entry in ClinVar:

ClinVar aggregate classification (germline): Likely benign (1 of 4 stars; one submission).

Allele frequency attached by ClinVar (database versions not stated): gnomAD exomes 0.00046.

Submission:

CeGaT Center for Human Genetics Tuebingen
Classification: Likely benign. Last evaluated: 2023-04-01. Review status: criteria provided, single submitter. Criteria: CeGaT Center For Human Genetics Tuebingen Variant Classification Criteria Version 2. Collection method: clinical testing. Allele origin: germline. Affected: yes. Observed: 1 variant allele.
Comment: ESX1: BS2

NM_153448.4(ESX1):c.1069C>G (p.Leu357Val)

Gene: ESX1 (ESX homeobox 1; minus strand). Cytogenetic location: Xq22.2.
Variant type: single nucleotide variant.
Coding change: c.1069C>G on transcript NM_153448.4 (MANE Select); coding-DNA position 1069, C replaced by G.
Protein change: p.Leu357Val; replaces leucine 357 with valine.
Molecular consequence: missense variant.
Genome position (GRCh38, 1-based): chrX:104,250,380, G>C on the plus strand (C>G on the coding strand, the complement: ESX1 is on the minus strand). VCF-style: chrX-104250380-G-C. GRCh37 (hg19) VCF-style: chrX-103495061-G-C.
Other names: short protein forms L357V.
Identifiers: ClinVar variation 2661111 (VCV002661111.24), dbSNP rs199856640, ClinGen allele CA10479958.
Genomic context (GRCh38, chrX:104,250,380, plus strand): 5'-GTGGCAGAGGCGCCATGGGCGGCCCGGGTGGCAGAGGCGCCATGGGCGGCCCGGGTGGCA[G>C]AGGCGCCATGGGCGGCCCGGGTGGCAGAGGCGCCATGGGCGGCCCGGGTGGCACACGCGC-3'
Protein context (NP_703149.1, residues 347-367): PLPPGPPMAP[Leu357Val]PPGPPMAPLP